The following is an entry in ClinVar:

NM_001384732.1(CPLANE1):c.246A>T (p.Thr82=)

Gene: CPLANE1 (ciliogenesis and planar polarity effector complex subunit 1; minus strand). Cytogenetic location: 5p13.2.
Variant type: single nucleotide variant.
Coding change: c.246A>T on transcript NM_001384732.1 (MANE Select); coding-DNA position 246, A replaced by T.
Protein change: p.Thr82=; no amino-acid change (threonine 82 retained).
Molecular consequence: synonymous variant.
Genome position (GRCh38, 1-based): chr5:37,245,570, T>A on the plus strand (A>T on the coding strand, the complement: CPLANE1 is on the minus strand). VCF-style: chr5-37245570-T-A. GRCh37 (hg19) VCF-style: chr5-37245672-T-A.
Other names: c.246A>T, p.Thr82= (NM_023073.4).
Identifiers: ClinVar variation 3708218 (VCV003708218.7).

ClinVar aggregate classification (germline): Likely benign. Review status: criteria provided, multiple submitters, no conflicts (2 of 4 stars). 3 submissions from 3 submitters: Likely benign (3). Last evaluated 2026-02-01.

gnomAD v4.1: 7 of 1,526,556 alleles (0.00046%); highest among the groups gnomAD compares: African/African-American, 0.0083%; no homozygotes.

Submissions (3):

CeGaT Center for Human Genetics Tuebingen
Classification: Likely benign. Last evaluated: 2026-02-01. Review status: criteria provided, single submitter. Criteria: CeGaT Center For Human Genetics Tuebingen Variant Classification Criteria Version 2. Collection method: clinical testing. Allele origin: germline. Affected: yes. Observed: 1 variant allele.
Comment: CPLANE1: BP4, BP7

Blueprint Genetics
Classification: Likely benign. Last evaluated: 2024-10-23. Review status: criteria provided, single submitter. Criteria: ACMG Guidelines, 2015. Collection method: clinical testing. Allele origin: germline.

Labcorp Genetics (formerly Invitae), Labcorp
Classification: Likely benign. Last evaluated: 2024-07-30. Review status: criteria provided, single submitter. Criteria: Invitae Variant Classification Sherloc (09022015). Collection method: clinical testing. Allele origin: germline.